The following is an entry in ClinVar:

NM_014946.4(SPAST):c.1475T>G (p.Leu492Arg)

Gene: SPAST (spastin; plus strand). Cytogenetic location: 2p22.3.
Variant type: single nucleotide variant.
Coding change: c.1475T>G on transcript NM_014946.4 (MANE Select); coding-DNA position 1475, T replaced by G.
Protein change: p.Leu492Arg; replaces leucine 492 with arginine.
Molecular consequence: missense variant.
Genome position (GRCh38, 1-based): chr2:32,137,170, T>G. VCF-style: chr2-32137170-T-G. GRCh37 (hg19) VCF-style: chr2-32362239-T-G.
Other names: c.1472T>G, p.Leu491Arg (NM_001363823.2); c.1376T>G, p.Leu459Arg (NM_001363875.2); c.1379T>G, p.Leu460Arg (NM_001377959.1, NM_199436.2); short protein forms L492R, L459R, L460R, L491R.
Identifiers: ClinVar variation 3663952 (VCV003663952.2).

ClinVar aggregate classification (germline): Uncertain significance (1 of 4 stars; one submission).

Conditions:
Hereditary spastic paraplegia 4. Also called: Spastic paraplegia 4, autosomal dominant; Spastic Paraplegia 4; Familial spastic paraplegia autosomal dominant 2. Identifiers: Orphanet 100985, MedGen C1866855, MONDO:0008438, OMIM 182601.

Submission:

Labcorp Genetics (formerly Invitae), Labcorp
Classification: Uncertain significance for Hereditary spastic paraplegia 4. Last evaluated: 2024-08-29. Review status: criteria provided, single submitter. Criteria: Invitae Variant Classification Sherloc (09022015). Collection method: clinical testing. Allele origin: germline.
Comment: This sequence change replaces leucine, which is neutral and non-polar, with arginine, which is basic and polar, at codon 492 of the SPAST protein (p.Leu492Arg). This variant is not present in population databases (gnomAD no frequency). This missense change has been observed in individual(s) with clinical features of hereditary spastic paraplegia (internal data). Invitae Evidence Modeling of protein sequence and biophysical properties (such as structural, functional, and spatial information, amino acid conservation, physicochemical variation, residue mobility, and thermodynamic stability) indicates that this missense variant is expected to disrupt SPAST protein function with a positive predictive value of 80%. This variant disrupts the p.Leu492 amino acid residue in SPAST. Other variant(s) that disrupt this residue have been observed in individuals with SPAST-related conditions (PMID: 20932283), which suggests that this may be a clinically significant amino acid residue. In summary, the available evidence is currently insufficient to determine the role of this variant in disease. Therefore, it has been classified as a Variant of Uncertain Significance.

Literature cited by the submitters: PubMed 20932283.